The following is an entry in ClinVar:

ClinVar aggregate classification (germline): Likely benign (1 of 4 stars; one submission).

Submission:

Women's Health and Genetics/Laboratory Corporation of America, LabCorp
Classification: Likely benign. Last evaluated: 2024-11-29. Review status: criteria provided, single submitter. Criteria: LabCorp Variant Classification Summary - May 2015. Collection method: clinical testing. Allele origin: germline.
Comment: Variant summary: SEPTIN9 c.1284G>T alters a conserved nucleotide resulting in a synonymous change. Consensus agreement among computation tools predict no significant impact on normal splicing. However, these predictions have yet to be confirmed by functional studies. The variant allele was found at a frequency of 3.2e-05 in 31404 control chromosomes. The available data on variant occurrences in the general population are insufficient to allow any conclusion about variant significance. To our knowledge, no occurrence of c.1284G>T in individuals affected with Amyotrophic neuralgia and no experimental evidence demonstrating its impact on protein function have been reported. No submitters have cited clinical-significance assessments for this variant to ClinVar. Based on the evidence outlined above, the variant was classified as likely benign.

NM_001113491.2(SEPTIN9):c.1338G>T (p.Ala446=)

Gene: SEPTIN9 (septin 9; plus strand). Cytogenetic location: 17q25.3.
Variant type: single nucleotide variant.
Coding change: c.1338G>T on transcript NM_001113491.2 (MANE Select); coding-DNA position 1338, G replaced by T.
Protein change: p.Ala446=; no amino-acid change (alanine 446 retained).
Molecular consequence: synonymous variant.
Genome position (GRCh38, 1-based): chr17:77,490,817, G>T. VCF-style: chr17-77490817-G-T. GRCh37 (hg19) VCF-style: chr17-75486899-G-T.
Other names: c.846G>T, p.Ala282= (NM_001113492.2, NM_001113494.1); c.1317G>T, p.Ala439= (NM_001113493.2); c.585G>T, p.Ala195= (NM_001113495.2, NM_001113496.2, NM_001293697.2 and 1 more transcripts); c.1281G>T, p.Ala427= (NM_001293695.2); c.666G>T, p.Ala222= (NM_001293696.2); c.1284G>T, p.Ala428= (NM_006640.5).
Identifiers: ClinVar variation 3629484 (VCV003629484.2).